The following is an entry in ClinVar:

NM_000179.3(MSH6):c.457+3A>G

Gene: MSH6 (mutS homolog 6; plus strand). Cytogenetic location: 2p16.3.
Variant type: single nucleotide variant.
Coding change: c.457+3A>G on transcript NM_000179.3 (MANE Select); 3 bases into the intron after coding-DNA position 457, A replaced by G.
Molecular consequence: intron variant.
Genome position (GRCh38, 1-based): chr2:47,791,126, A>G. VCF-style: chr2-47791126-A-G. GRCh37 (hg19) VCF-style: chr2-48018265-A-G.
Other names: c.-280+3A>G (NM_001281493.2); c.238-7485A>G (NM_001281492.2); c.-446+3A>G (NM_001281494.2).
Identifiers: ClinVar variation 410475 (VCV000410475.18), dbSNP rs1060502921, ClinGen allele CA16610858.

ClinVar aggregate classification (germline): Conflicting classifications of pathogenicity. Review status: criteria provided, conflicting classifications (1 of 4 stars). 6 submissions from 6 submitters: Uncertain significance (5); Likely benign (1). Last evaluated 2025-05-14.

Conditions:
Lynch syndrome. Identifiers: Orphanet 144, MedGen C4552100, MONDO:0005835. Disease mechanism: loss of function.
Hereditary nonpolyposis colorectal neoplasms. Identifiers: MedGen C0009405, MeSH D003123.
Hereditary cancer-predisposing syndrome. Also called: Tumor predisposition; Hereditary Cancer Syndrome; Hereditary neoplastic syndrome; Neoplastic Syndromes, Hereditary. Identifiers: Orphanet 140162, MedGen C0027672, MeSH D009386, MONDO:0015356.

Allele frequency attached by ClinVar (database versions not stated): gnomAD exomes below 0.00001.
gnomAD v4.1: 4 of 1,613,242 alleles (0.00025%); highest among the groups gnomAD compares: South Asian, 0.0044%; no homozygotes.

Submissions (6):

Labcorp Genetics (formerly Invitae), Labcorp
Classification: Uncertain significance for Hereditary nonpolyposis colorectal neoplasms. Last evaluated: 2025-05-14. Review status: criteria provided, single submitter. Criteria: Invitae Variant Classification Sherloc (09022015). Collection method: clinical testing. Allele origin: germline.
Comment: This sequence change falls in intron 2 of the MSH6 gene. It does not directly change the encoded amino acid sequence of the MSH6 protein. It affects a nucleotide within the consensus splice site. This variant is not present in population databases (gnomAD no frequency). This variant has not been reported in the literature in individuals affected with MSH6-related conditions. ClinVar contains an entry for this variant (Variation ID: 410475). Variants that disrupt the consensus splice site are a relatively common cause of aberrant splicing (PMID: 17576681, 9536098). Studies have shown that this variant is associated with inconclusive levels of altered splicing (internal data). In summary, the available evidence is currently insufficient to determine the role of this variant in disease. Therefore, it has been classified as a Variant of Uncertain Significance.

All of Us Research Program, National Institutes of Health
Classification: Uncertain significance for Lynch syndrome. Last evaluated: 2023-08-15. Review status: criteria provided, single submitter. Criteria: ACMG Guidelines, 2015. Collection method: clinical testing. Allele origin: germline. Inheritance: Autosomal dominant inheritance. Observed: 1 variant allele, 1 heterozygote.
Comment: This variant causes an A to G nucleotide substitution at the +3 position of intron 2 of the MSH6 gene. Splice site prediction tools suggest that this variant may not impact RNA splicing. To our knowledge, functional studies have not been reported for this variant. This variant has not been reported in individuals affected with MSH6-related disorders in the literature. This variant has not been identified in the general population by the Genome Aggregation Database (gnomAD). The available evidence is insufficient to determine the role of this variant in disease conclusively. Therefore, this variant is classified as a Variant of Uncertain Significance.

This study involves interpretation of variants in research participants for the purpose of population health screening. Participant phenotype was not available at the time of variant classification. Additional details can be found in publication PMID: 35346344, PMCID: PMC8962531

Color Diagnostics, LLC DBA Color Health
Classification: Uncertain significance for Hereditary cancer-predisposing syndrome. Last evaluated: 2023-08-02. Review status: criteria provided, single submitter. Criteria: ACMG Guidelines, 2015. Collection method: clinical testing. Allele origin: germline.
Comment: This variant causes an A to G nucleotide substitution at the +3 position of intron 2 of the MSH6 gene. Splice site prediction tools suggest that this variant may not impact RNA splicing. To our knowledge, functional studies have not been reported for this variant. This variant has not been reported in individuals affected with MSH6-related disorders in the literature. This variant has not been identified in the general population by the Genome Aggregation Database (gnomAD). The available evidence is insufficient to determine the role of this variant in disease conclusively. Therefore, this variant is classified as a Variant of Uncertain Significance.

Sema4
Classification: Uncertain significance for Hereditary cancer-predisposing syndrome. Last evaluated: 2021-09-18. Review status: criteria provided, single submitter. Criteria: Sema4 Curation Guidelines. Collection method: curation. Allele origin: germline.
Comment: The MSH6 c.457+3A>G variant has not been reported in the literature to our knowledge. It was not observed in the large and broad cohorts of the Genome Aggregation Database (PMID: 32461654). The variant has been reported in ClinVar (Variation ID: 410475). Splice site prediction tools suggest the variant does not disrupt normal splicing, however, these predictions have not been confirmed by transcriptional studies. The evidence is insufficient to meet ACMG/AMP criteria for classifying the variant as benign or pathogenic. Thus, the clinical significance of this variant is currently uncertain.

Women's Health and Genetics/Laboratory Corporation of America, LabCorp
Classification: Uncertain significance. Last evaluated: 2021-05-03. Review status: criteria provided, single submitter. Criteria: LabCorp Variant Classification Summary - May 2015. Collection method: clinical testing. Allele origin: germline.
Comment: Variant summary: MSH6 c.457+3A>G alters a non-conserved nucleotide located close to a canonical splice site and therefore could affect mRNA splicing, leading to a significantly altered protein sequence. 4/4 computational tools predict no significant impact on normal splicing. However, these predictions have yet to be confirmed by functional studies. The variant was absent in 251102 control chromosomes. The available data on variant occurrences in the general population are insufficient to allow any conclusion about variant significance. To our knowledge, no occurrence of c.457+3A>G in individuals affected with Hereditary Nonpolyposis Colorectal Cancer and no experimental evidence demonstrating its impact on protein function have been reported. Two clinical diagnostic laboratories have submitted clinical-significance assessments for this variant to ClinVar after 2014 without evidence for independent evaluation. One laboratory classified the variant as likely benign, and one laboratory classified the variant as uncertain significance. Based on the evidence outlined above, the variant was classified as uncertain significance.

Ambry Genetics
Classification: Likely benign for Hereditary cancer-predisposing syndrome. Last evaluated: 2019-10-25. Review status: criteria provided, single submitter. Criteria: Ambry Variant Classification Scheme 2023. Collection method: clinical testing. Allele origin: germline.

Literature cited by the submitters: PubMed 17576681 (cited by Labcorp Genetics (formerly Invitae), Labcorp); PubMed 9536098 (cited by Labcorp Genetics (formerly Invitae), Labcorp).